The following is an entry in ClinVar:

NM_000179.3(MSH6):c.2828A>C (p.Asp943Ala)

Gene: MSH6 (mutS homolog 6; plus strand). Cytogenetic location: 2p16.3.
Variant type: single nucleotide variant.
Coding change: c.2828A>C on transcript NM_000179.3 (MANE Select); coding-DNA position 2828, A replaced by C.
Protein change: p.Asp943Ala; replaces aspartic acid 943 with alanine.
Molecular consequence: missense variant. On other transcripts: non-coding transcript variant (5), intron variant (2).
Genome position (GRCh38, 1-based): chr2:47,800,811, A>C. VCF-style: chr2-47800811-A-C. GRCh37 (hg19) VCF-style: chr2-48027950-A-C.
Other names: c.2438A>C, p.Asp813Ala (NM_001281492.2); c.1922A>C, p.Asp641Ala (NM_001281493.2, NM_001281494.2, NM_001406811.1 and 6 more transcripts); c.2924A>C, p.Asp975Ala (NM_001406795.1, NM_001406802.1); c.2828A>C, p.Asp943Ala (NM_001406796.1, NM_001406798.1, NM_001406800.1 and 2 more transcripts); c.2531A>C, p.Asp844Ala (NM_001406797.1, NM_001406801.1, NM_001406805.1 and 10 more transcripts); c.2303A>C, p.Asp768Ala (NM_001406799.1, NM_001406806.1, NM_001406807.1); c.2750A>C, p.Asp917Ala (NM_001406804.1); c.2834A>C, p.Asp945Ala (NM_001406813.1); and 4 more; short protein forms D258A, D641A, D768A, D813A, D844A, D887A, D917A, D943A.
Identifiers: ClinVar variation 4758679 (VCV004758679.1).
Genomic context (GRCh38, chr2:47,800,811, plus strand): 5'-AGACTGGACTTATTACTCCCAAAGCAGGCTTTGACTCTGATTATGACCAAGCTCTTGCTG[A>C]CATAAGAGAAAATGAACAGAGCCTCCTGGAATACCTAGAGAAACAGCGCAACAGAATTGG-3'
Protein context (NP_000170.1, residues 933-953): FDSDYDQALA[Asp943Ala]IRENEQSLLE

ClinVar aggregate classification (germline): Uncertain significance (1 of 4 stars; one submission).

Conditions:
Hereditary cancer-predisposing syndrome. Also called: Neoplastic Syndromes, Hereditary; Hereditary neoplastic syndrome; Tumor predisposition; Hereditary Cancer Syndrome. Identifiers: Orphanet 140162, MedGen C0027672, MeSH D009386, MONDO:0015356.

Submission:

Color Diagnostics, LLC DBA Color Health
Classification: Uncertain significance for Hereditary cancer-predisposing syndrome. Last evaluated: 2025-05-30. Review status: criteria provided, single submitter. Criteria: ACMG Guidelines, 2015. Collection method: clinical testing. Allele origin: germline.
Comment: This missense variant replaces aspartic acid with alanine at codon 943 of the MSH6 protein. Computational prediction is inconclusive regarding the impact of this variant on protein structure and function. To our knowledge, functional studies have not been reported for this variant. This variant has not been reported in individuals affected with MSH6-related disorders in the literature. This variant has not been identified in the general population by the Genome Aggregation Database (gnomAD). The available evidence is insufficient to determine the role of this variant in disease conclusively. Therefore, this variant is classified as a Variant of Uncertain Significance.